The following is an entry in ClinVar:

ClinVar aggregate classification (germline): Benign/Likely benign. Review status: criteria provided, multiple submitters, no conflicts (2 of 4 stars). 4 submissions from 4 submitters: Benign (1); Likely benign (2). 1 of the submissions does not count toward it. Last evaluated 2025-12-17.

Conditions:
Autosomal dominant hypocalcemia 2. Identifiers: Orphanet 2238, Orphanet 428, MedGen C3809243, MONDO:0014146, OMIM 615361.
Familial hypocalciuric hypercalcemia 2. Also called: Hypocalciuric hypercalcemia, familial, type II; Hypocalciuric hypercalcemia, type II; FAMILIAL BENIGN HYPERCALCEMIA, TYPE II. Identifiers: Orphanet 101049, Orphanet 405, MedGen C1840347, MONDO:0007792, OMIM 145981.
GNA11-related disorder. Also called: GNA11-related condition.

Allele frequency attached by ClinVar (database versions not stated): gnomAD exomes 0.00007 and 0.00020; ExAC 0.00026; 1000 Genomes Project 0.00060; 1000 Genomes Project 30x 0.00062; gnomAD 0.00062 and 0.00065; TOPMed 0.00067; ESP Exome Variant Server 0.00085.

Submissions (4):

Labcorp Genetics (formerly Invitae), Labcorp
Classification: Likely benign. Last evaluated: 2025-12-17. Review status: criteria provided, single submitter. Criteria: Invitae Variant Classification Sherloc (09022015). Collection method: clinical testing. Allele origin: germline.

Fulgent Genetics
Classification: Benign for Familial hypocalciuric hypercalcemia 2; Autosomal dominant hypocalcemia 2. Last evaluated: 2022-02-13. Review status: criteria provided, single submitter. Criteria: ACMG Guidelines, 2015. Collection method: clinical testing. Allele origin: unknown.

Breakthrough Genomics
Classification: Likely benign. Review status: criteria provided, single submitter. Criteria: ACMG Guidelines, 2015. Collection method: not provided. Allele origin: germline. Inheritance: Autosomal dominant inheritance. Affected: yes.

PreventionGenetics, part of Exact Sciences
Classification: Likely benign for GNA11-related condition. Last evaluated: 2019-07-25. Review status: no assertion criteria provided. Collection method: clinical testing. Allele origin: germline. Not counted in ClinVar's aggregate classification.
Comment: This variant is classified as likely benign based on ACMG/AMP sequence variant interpretation guidelines (Richards et al. 2015 PMID: 25741868, with internal and published modifications).

NM_002067.5(GNA11):c.885C>T (p.Phe295=)

Gene: GNA11 (G protein subunit alpha 11; plus strand). Cytogenetic location: 19p13.3.
Variant type: single nucleotide variant.
Coding change: c.885C>T on transcript NM_002067.5 (MANE Select); coding-DNA position 885, C replaced by T.
Protein change: p.Phe295=; no amino-acid change (phenylalanine 295 retained).
Molecular consequence: synonymous variant.
Genome position (GRCh38, 1-based): chr19:3,119,355, C>T. VCF-style: chr19-3119355-C-T. GRCh37 (hg19) VCF-style: chr19-3119353-C-T.
Identifiers: ClinVar variation 730070 (VCV000730070.13), dbSNP rs147368872, ClinGen allele CA9075029.
Genomic context (GRCh38, chr19:3,119,355, plus strand): 5'-GAAGGACCTGCTGGAGGACAAGATCCTGTACTCGCACCTGGTGGACTACTTCCCCGAGTT[C>T]GATGGTGCGCCGGGCTGCGGCATGGGGAGGGGCTCGCGGGCAGGGCCTTACTGGGGGGAG-3'
Protein context (NP_002058.2, residues 285-305): YSHLVDYFPE[Phe295=]DGPQRDAQAA